The following is an entry in ClinVar:

NM_020207.7(ERCC6L2):c.3234TAA[1] (p.Asn1079del)

Gene: ERCC6L2 (ERCC excision repair 6 like 2; plus strand). Cytogenetic location: 9q22.32.
Variant type: Microsatellite.
Coding change: c.3234TAA[1] on transcript NM_020207.7 (MANE Select); one copy of the 3-base unit TAA starting at c.3234; the reference has two copies in a row; one copy, 3 bases deleted.
Protein change: p.Asn1079del; deletes asparagine 1079.
Molecular consequence: non-coding transcript variant (on NR_164677.1).
Genome position (GRCh38, 1-based): chr9:95,972,988-95,972,990, TAA deleted; deleting any 3 consecutive bases within chr9:95,972,984-95,972,990 gives the same sequence; the position shown is the placement nearest the transcript's 3' end. VCF-style (leftmost placement, unchanged base first): chr9-95972983-CATA-C. GRCh37 (hg19) VCF-style: chr9-98735265-CATA-C.
Other names: c.3234TAA[1], p.Asn1079del (NM_001375291.1, NM_001375292.1, NM_001375293.1 and 1 more transcripts); short protein forms N1079del.
Identifiers: ClinVar variation 3679995 (VCV003679995.2).

ClinVar aggregate classification (germline): Uncertain significance (1 of 4 stars; one submission).

Submission:

Labcorp Genetics (formerly Invitae), Labcorp
Classification: Uncertain significance. Last evaluated: 2024-03-01. Review status: criteria provided, single submitter. Criteria: Invitae Variant Classification Sherloc (09022015). Collection method: clinical testing. Allele origin: germline.
Comment: This variant, c.3270_3272del, results in the deletion of 1 amino acid(s) of the ERCC6L2 protein (p.Asn1090del), but otherwise preserves the integrity of the reading frame. This variant is present in population databases (rs761064844, gnomAD 0.003%). This variant has not been reported in the literature in individuals affected with ERCC6L2-related conditions. Experimental studies and prediction algorithms are not available or were not evaluated, and the functional significance of this variant is currently unknown. In summary, the available evidence is currently insufficient to determine the role of this variant in disease. Therefore, it has been classified as a Variant of Uncertain Significance.